The following is an entry in ClinVar:

NM_004006.3(DMD):c.986C>A (p.Ser329Ter)

Gene: DMD (dystrophin; minus strand). Cytogenetic location: Xp21.1.
Variant type: single nucleotide variant.
Coding change: c.986C>A on transcript NM_004006.3 (MANE Select); coding-DNA position 986, C replaced by A.
Protein change: p.Ser329Ter; replaces serine 329 with a stop codon.
Molecular consequence: nonsense.
Genome position (GRCh38, 1-based): chrX:32,645,127, G>T on the plus strand (C>A on the coding strand, the complement: DMD is on the minus strand). VCF-style: chrX-32645127-G-T. GRCh37 (hg19) VCF-style: chrX-32663244-G-T.
Other names: c.962C>A, p.Ser321Ter (NM_000109.4); c.974C>A, p.Ser325Ter (NM_004009.3); c.617C>A, p.Ser206Ter (NM_004010.3); short protein forms S206*, S321*, S325*, S329*.
Identifiers: ClinVar variation 1725751 (VCV001725751.5), dbSNP rs2059701389, ClinGen allele CA412662346.

ClinVar aggregate classification (germline): Pathogenic/Likely pathogenic. Review status: criteria provided, multiple submitters, no conflicts (2 of 4 stars). 2 submissions from 2 submitters: Pathogenic (1); Likely pathogenic (1). Last evaluated 2024-10-30.

Conditions:
Duchenne muscular dystrophy (DMD). Also called: MUSCULAR DYSTROPHY, PSEUDOHYPERTROPHIC PROGRESSIVE, DUCHENNE TYPE; Duchenne Muscular Dystrophy (DMD). Identifiers: Orphanet 98896, MedGen C0013264, MONDO:0010679, OMIM 310200.
Progressive muscular dystrophy. Identifiers: Orphanet 206644, MedGen C4551827, MONDO:0016106.

Submissions (2):

Labcorp Genetics (formerly Invitae), Labcorp
Classification: Pathogenic for Duchenne muscular dystrophy. Last evaluated: 2024-10-30. Review status: criteria provided, single submitter. Criteria: Invitae Variant Classification Sherloc (09022015). Collection method: clinical testing. Allele origin: germline.
Comment: This sequence change creates a premature translational stop signal (p.Ser329*) in the DMD gene. It is expected to result in an absent or disrupted protein product. Loss-of-function variants in DMD are known to be pathogenic (PMID: 16770791, 25007885). This variant is not present in population databases (gnomAD no frequency). This variant has not been reported in the literature in individuals affected with DMD-related conditions. ClinVar contains an entry for this variant (Variation ID: 1725751). For these reasons, this variant has been classified as Pathogenic.

Myriad Genetics, Inc.
Classification: Likely pathogenic for Progressive muscular dystrophy. Last evaluated: 2022-03-31. Review status: criteria provided, single submitter. Criteria: Myriad Autosomal Dominant, Autosomal Recessive and X-Linked Classification Criteria (2023). Collection method: clinical testing. Allele origin: unknown.
Comment: NM_004006.2(DMD):c.986C>A(S329*) is expected to be pathogenic in the context of dystrophinopathy (including Duchenne/Becker muscular dystrophy). This variant is predicted to lead to an abnormal or absent protein product due to the creation of a premature termination codon in DMD, a gene where loss-of-function variants are known to be pathogenic. Please note: this variant was assessed in the context of healthy population screening.

Literature cited by the submitters: PubMed 16770791 (cited by Labcorp Genetics (formerly Invitae), Labcorp); PubMed 25007885 (cited by Labcorp Genetics (formerly Invitae), Labcorp).